The following is an entry in ClinVar:

NM_000057.4(BLM):c.3299del (p.Ile1100fs)

Gene: BLM (BLM RecQ like helicase; plus strand). Cytogenetic location: 15q26.1.
Variant type: Deletion.
Coding change: c.3299del on transcript NM_000057.4 (MANE Select); coding-DNA position 3299, one base deleted (T; older notation c.3299delT).
Protein change: p.Ile1100fs; shifts the reading frame from isoleucine 1100.
Molecular consequence: frameshift variant.
Genome position (GRCh38, 1-based): chr15:90,798,278, T deleted. VCF-style (leftmost placement, unchanged base first): chr15-90798277-AT-A. GRCh37 (hg19) VCF-style: chr15-91341507-AT-A.
Other names: c.3299del, p.Ile1100fs (NM_001287246.2, NM_001287247.2); c.2174del, p.Ile725fs (NM_001287248.2); short protein forms I1100fs, I725fs.
Identifiers: ClinVar variation 2011232 (VCV002011232.4), dbSNP rs2505534802, ClinGen allele CA2580090259.

ClinVar aggregate classification (germline): Pathogenic (1 of 4 stars; one submission).

Conditions:
Bloom syndrome (BLM). Also called: Bloom-Torre-Machacek syndrome. Identifiers: Orphanet 125, MedGen C0005859, MONDO:0008876, OMIM 210900.

Submission:

Labcorp Genetics (formerly Invitae), Labcorp
Classification: Pathogenic for Bloom syndrome. Last evaluated: 2022-06-26. Review status: criteria provided, single submitter. Criteria: Invitae Variant Classification Sherloc (09022015). Collection method: clinical testing. Allele origin: germline.
Comment: For these reasons, this variant has been classified as Pathogenic. This sequence change creates a premature translational stop signal (p.Ile1100Lysfs*4) in the BLM gene. It is expected to result in an absent or disrupted protein product. Loss-of-function variants in BLM are known to be pathogenic (PMID: 17407155). This variant is not present in population databases (gnomAD no frequency). This variant has not been reported in the literature in individuals affected with BLM-related conditions.

Literature cited by the submitters: PubMed 17407155.